The following is an entry in ClinVar:

ClinVar aggregate classification (germline): Uncertain significance (1 of 4 stars; one submission).

Conditions:
Mitochondrial DNA depletion syndrome, encephalomyopathic form with methylmalonic aciduria (MTDPS5). Also called: SUCLA2-Related Mitochondrial DNA Depletion Syndrome, Encephalomyopathic Form with Methylmalonic Aciduria; Mitochondrial encephalomyopathy aminoacidopathy; MITOCHONDRIAL DNA DEPLETION SYNDROME, ENCEPHALOMYOPATHIC FORM, WITH OR WITHOUT METHYLMALONIC ACIDURIA, AUTOSOMAL RECESSIVE, SUCLA2-RELATED; Mitochondrial DNA depletion syndrome 5 (encephalomyopathic with or without methylmalonic aciduria). Identifiers: Orphanet 1933, MedGen C5980207, MONDO:0012791, OMIM 612073.

Allele frequency attached by ClinVar (database versions not stated): gnomAD exomes below 0.00001.
gnomAD v4.1: 1 of 1,611,574 alleles (0.000062%); highest among the groups gnomAD compares: Non-Finnish European, 0.000085%; no homozygotes.

Submission:

Labcorp Genetics (formerly Invitae), Labcorp
Classification: Uncertain significance for Mitochondrial DNA depletion syndrome, encephalomyopathic form with methylmalonic aciduria. Last evaluated: 2022-06-05. Review status: criteria provided, single submitter. Criteria: Invitae Variant Classification Sherloc (09022015). Collection method: clinical testing. Allele origin: germline.
Comment: ClinVar contains an entry for this variant (Variation ID: 1439093). In summary, the available evidence is currently insufficient to determine the role of this variant in disease. Therefore, it has been classified as a Variant of Uncertain Significance. Variants that disrupt the consensus splice site are a relatively common cause of aberrant splicing (PMID: 17576681, 9536098). Algorithms developed to predict the effect of sequence changes on RNA splicing suggest that this variant may create or strengthen a splice site. This variant has not been reported in the literature in individuals affected with SUCLA2-related conditions. This variant is not present in population databases (gnomAD no frequency). This sequence change falls in intron 6 of the SUCLA2 gene. It does not directly change the encoded amino acid sequence of the SUCLA2 protein. It affects a nucleotide within the consensus splice site.

Literature cited by the submitters: PubMed 17576681; PubMed 9536098.

NM_003850.3(SUCLA2):c.802+3A>G

Gene: SUCLA2 (succinate-CoA ligase ADP-forming subunit beta; minus strand). Cytogenetic location: 13q14.2.
Variant type: single nucleotide variant.
Coding change: c.802+3A>G on transcript NM_003850.3 (MANE Select); 3 bases into the intron after coding-DNA position 802, A replaced by G.
Molecular consequence: intron variant.
Genome position (GRCh38, 1-based): chr13:47,968,592, T>C on the plus strand (A>G on the coding strand, the complement: SUCLA2 is on the minus strand). VCF-style: chr13-47968592-T-C. GRCh37 (hg19) VCF-style: chr13-48542727-T-C.
Identifiers: ClinVar variation 1439093 (VCV001439093.6), dbSNP rs2137715478, ClinGen allele CA2573149539.